The following is an entry in ClinVar:

ClinVar aggregate classification (germline): Pathogenic/Likely pathogenic. Review status: criteria provided, multiple submitters, no conflicts (2 of 4 stars). 12 submissions from 12 submitters: Pathogenic (8); Likely pathogenic (3). 1 of the submissions does not count toward it. Last evaluated 2025-11-20.

Conditions:
Inherited breast cancer and ovarian cancer.
Hereditary cancer-predisposing syndrome. Also called: Neoplastic Syndromes, Hereditary; Hereditary Cancer Syndrome; Hereditary neoplastic syndrome; Tumor predisposition. Identifiers: Orphanet 140162, MedGen C0027672, MeSH D009386, MONDO:0015356.
Familial cancer of breast. Also called: Hereditary breast cancer; hereditary breast carcinoma; BREAST CANCER, FAMILIAL. Identifiers: Orphanet 227535, MedGen C0346153, MONDO:0016419, OMIM 114480. Disease mechanism: loss of function.
Ataxia-telangiectasia syndrome (AT). Also called: Cerebello-oculocutaneous telangiectasia; Immunodeficiency with ataxia telangiectasia; Ataxia-telangiectasia, complementation group D; AT, COMPLEMENTATION GROUP C; ATAXIA-TELANGIECTASIA, FRESNO VARIANT; ATAXIA-TELANGIECTASIA, COMPLEMENTATION GROUP A. Identifiers: Orphanet 100, MedGen C0004135, MONDO:0008840, OMIM 208900.

Submissions (12):

Labcorp Genetics (formerly Invitae), Labcorp
Classification: Pathogenic for Ataxia-telangiectasia syndrome. Last evaluated: 2025-11-20. Review status: criteria provided, single submitter. Criteria: Invitae Variant Classification Sherloc (09022015). Collection method: clinical testing. Allele origin: germline.
Comment: This sequence change creates a premature translational stop signal (p.Gln1128Lysfs*3) in the ATM gene. It is expected to result in an absent or disrupted protein product. Loss-of-function variants in ATM are known to be pathogenic (PMID: 23807571, 25614872). This variant is not present in population databases (gnomAD no frequency). This premature translational stop signal has been observed in individual(s) with ataxia-telangiectasia (PMID: 10425038). This variant is also known as 3381delTCAG. ClinVar contains an entry for this variant (Variation ID: 141734). For these reasons, this variant has been classified as Pathogenic.

GeneKor MSA
Classification: Likely pathogenic for Hereditary cancer-predisposing syndrome. Last evaluated: 2025-06-25. Review status: criteria provided, single submitter. Criteria: ACMG Guidelines, 2015. Collection method: clinical testing. Allele origin: germline. Affected: yes.
Comment: This variant is a deletion of 4 nucleotides bases at exon 23 of ATM gene (c.3381_3384delTCAG), causing a translational frameshift with a predicted alternate stop codon after 3 nucleotide residues- p.( Gln1128Lysfs*3). This results in the production of a truncated, non-functional protein. Loss-of-function variants in ATM are known to be pathogenic (PMID:23807571, 25614872). This variant is not present in population databases (rs587781971) and ClinVar contain entries for this variant (VCV000141734.28). This alteration has been described in patients with Ataxia-telangiectasia (A-T), (PMID:10425038). Based on the classification criteria set by the ACMG and AMP (PMID:25741868) this variant has been classified as likely pathogenic.

Cambridge Genomics Laboratory, East Genomic Laboratory Hub, NHS Genomic Medicine Service
Classification: Pathogenic for Inherited breast cancer and ovarian cancer. Last evaluated: 2025-02-05. Review status: criteria provided, single submitter. Criteria: ACGS Best Practice Guidelines for Variant Classification in Rare Disease 2020. Collection method: clinical testing. Allele origin: germline. Affected: yes.
Comment: PVS1,PM2_Supporting,PM5_Supporting

Natera, Inc.
Classification: Likely pathogenic for Ataxia-telangiectasia. Last evaluated: 2024-12-19. Review status: criteria provided, single submitter. Criteria: Natera Variant Classification Schema (03/2026). Collection method: clinical testing. Allele origin: germline.
Comment: The c.3381_3384delTCAG variant in ATM is a frameshift variant predicted to shift the reading frame beginning at codon 1128 and leads to a stop codon 3 codons downstream. This variant is expected to result in nonsense mediated decay, truncation, or a dysfunctional protein product. This variant is rare in the general population with a frequency below the threshold expected for the associated phenotype(s). Given the available evidence, this variant is classified as Likely Pathogenic.

Ambry Genetics
Classification: Pathogenic for Hereditary cancer-predisposing syndrome. Last evaluated: 2024-08-13. Review status: criteria provided, single submitter. Criteria: Ambry Variant Classification Scheme 2023. Collection method: clinical testing. Allele origin: germline.
Comment: The c.3381_3384delTCAG pathogenic mutation, located in coding exon 22 of the ATM gene, results from a deletion of 4 nucleotides at nucleotide positions 3381 to 3384, causing a translational frameshift with a predicted alternate stop codon (p.Q1128Kfs*3). This pathogenic mutation (designated as 3381delTCAG) was reported in an individual with ataxia-telangiectasia, although it was not noted whether a second mutation was identified (Castellv&iacute;-Bel S et al. Hum. Mutat. 1999; 14(2):156-62). This variant is considered to be rare based on population cohorts in the Genome Aggregation Database (gnomAD). This alteration is expected to result in loss of function by premature protein truncation or nonsense-mediated mRNA decay. As such, this alteration is interpreted as a disease-causing mutation.

Myriad Genetics, Inc.
Classification: Pathogenic for Familial cancer of breast. Last evaluated: 2024-01-22. Review status: criteria provided, single submitter. Criteria: Myriad Autosomal Dominant, Autosomal Recessive and X-Linked Classification Criteria (2023). Collection method: clinical testing. Allele origin: unknown.
Comment: This variant is considered pathogenic. This variant creates a frameshift predicted to result in premature protein truncation.

GeneDx
Classification: Pathogenic. Last evaluated: 2023-08-24. Review status: criteria provided, single submitter. Criteria: GeneDx Variant Classification Process June 2021. Collection method: clinical testing. Allele origin: germline. Affected: yes.
Comment: Frameshift variant predicted to result in protein truncation or nonsense mediated decay in a gene for which loss-of-function is a known mechanism of disease; Not observed at significant frequency in large population cohorts (gnomAD); Identified in an individual with a personal history of breast cancer and family history of breast, pancreatic, and other cancers who also harbored a pathogenic BRCA2 variant (Tung et al., 2016); Identified in an individual with ataxia telangiectasia for whom clinical and other testing details are limited (Castellvi-Bel et al., 1999); This variant is associated with the following publications: (PMID: 28152038, 27304073, 26976419, 23807571, 25614872, 36974724, 30625039, 10425038)

Baylor Genetics
Classification: Pathogenic for Familial cancer of breast. Last evaluated: 2023-06-20. Review status: criteria provided, single submitter. Criteria: ACMG Guidelines, 2015. Collection method: clinical testing. Allele origin: unknown.

Color Diagnostics, LLC DBA Color Health
Classification: Pathogenic for Hereditary cancer-predisposing syndrome. Last evaluated: 2023-03-28. Review status: criteria provided, single submitter. Criteria: ACMG Guidelines, 2015. Collection method: clinical testing. Allele origin: germline.
Comment: This variant, also referred to as '3381delTCAG', deletes 4 nucleotides in exon 23 of the ATM gene, creating a frameshift and premature translation stop signal. This variant is expected to result in an absent or non-functional protein product. This variant has been observed in an individual affected with ataxia telangiectasia, however, the report did not mention a second mutation (PMID: 10425038). This variant has not been identified in the general population by the Genome Aggregation Database (gnomAD). Loss of ATM function is a known mechanism of disease. Based on the available evidence, this variant is classified as Pathogenic.

Revvity Omics, Revvity
Classification: Pathogenic for Ataxia-telangiectasia syndrome. Last evaluated: 2022-08-10. Review status: criteria provided, single submitter. Criteria: ACMG Guidelines, 2015. Collection method: clinical testing. Allele origin: germline.

Sema4
Classification: Likely pathogenic for Hereditary cancer-predisposing syndrome. Last evaluated: 2021-05-25. Review status: criteria provided, single submitter. Criteria: Sema4 Curation Guidelines. Collection method: curation. Allele origin: germline.
Comment: The ATM c.3381_3384delTCAG (p.Q1128KfsX3) variant has been reported in heterozygosity in at least 1 individual with breast cancer (PMID: 26976419) and as heterozygous (a second variant was not identified) in at least 1 individual with ataxia-telangiectasia (PMID: 10425038). This variant causes a frameshift at amino acid 1128 that results in premature termination 3 amino acids downstream. At this location, this is predicted to cause nonsense-mediated decay and result in an absent protein (loss of function). Loss of function variants in ATM are known to be pathogenic (PMID: 23807571, 25614872). This variant is not reported in the Genome Aggregation Database (PMID: 32461654). This variant has been reported in ClinVar (Variation ID: 141734). Based on the current evidence available, this variant is interpreted as likely pathogenic.

Counsyl
Classification: Likely pathogenic for Ataxia-telangiectasia syndrome. Last evaluated: 2016-06-27. Review status: no assertion criteria provided. Collection method: clinical testing. Allele origin: unknown. Not counted in ClinVar's aggregate classification.

Literature cited by the submitters: PubMed 23807571 (cited by 3 submitters); PubMed 25614872 (cited by 3 submitters); PubMed 10425038 (cited by 6 submitters); PubMed 26976419 (cited by 3 submitters).

NM_000051.4(ATM):c.3381_3384del (p.Gln1128fs)

Gene: ATM (ATM serine/threonine kinase; plus strand). Cytogenetic location: 11q22.3.
Variant type: Deletion.
Coding change: c.3381_3384del on transcript NM_000051.4 (MANE Select); coding-DNA positions 3381 to 3384, 4 bases deleted (TCAG; older notation c.3381_3384delTCAG).
Protein change: p.Gln1128fs; shifts the reading frame from glutamine 1128.
Molecular consequence: frameshift variant.
Genome position (GRCh38, 1-based): chr11:108,279,587-108,279,590, TCAG deleted. VCF-style (leftmost placement, unchanged base first): chr11-108279586-CTCAG-C. GRCh37 (hg19) VCF-style: chr11-108150313-CTCAG-C.
Other names: c.3381_3384delTCAG (NM_000051.3); c.3381_3384del, p.Gln1128fs (NM_001351834.2); short protein forms Q1128fs.
Identifiers: ClinVar variation 141734 (VCV000141734.33), dbSNP rs587781971, ClinGen allele CA166260.
Genomic context (GRCh38, chr11:108,279,586, plus strand): 5'-TACTGAAAGCACTTCCTTTGAAGCTTCAGCAAACAGCTTTTGAAAATGCATACTTGAAAG[CTCAG>C]GAAGGAATGAGAGAAATGGTAATTTTAAGTAACATGTATTTGCTGTTATCATATGCTTGC-3'